The following is an entry in ClinVar:

NM_000092.5(COL4A4):c.4322C>G (p.Pro1441Arg)

Gene: COL4A4 (collagen type IV alpha 4 chain; minus strand). Cytogenetic location: 2q36.3.
Variant type: single nucleotide variant.
Coding change: c.4322C>G on transcript NM_000092.5 (MANE Select); coding-DNA position 4322, C replaced by G.
Protein change: p.Pro1441Arg; replaces proline 1441 with arginine.
Molecular consequence: missense variant.
Genome position (GRCh38, 1-based): chr2:227,012,192, G>C on the plus strand (C>G on the coding strand, the complement: COL4A4 is on the minus strand). VCF-style: chr2-227012192-G-C. GRCh37 (hg19) VCF-style: chr2-227876908-G-C.
Other names: short protein forms P1441R.
Identifiers: ClinVar variation 1308284 (VCV001308284.2), dbSNP rs192942886, ClinGen allele CA350836396.

ClinVar aggregate classification (germline): Uncertain significance (1 of 4 stars; one submission).

Allele frequency attached by ClinVar (database versions not stated): gnomAD exomes below 0.00001; gnomAD 0.00002; TOPMed 0.00002.
gnomAD v4.1: 7 of 1,613,156 alleles (0.00043%); highest among the groups gnomAD compares: Non-Finnish European, 0.00059%; no homozygotes.

Submission:

GeneDx
Classification: Uncertain significance. Last evaluated: 2020-08-24. Review status: criteria provided, single submitter. Criteria: GeneDx Variant Classification Process June 2021. Collection method: clinical testing. Allele origin: germline. Affected: yes.
Comment: Not observed at a significant frequency in large population cohorts (Lek et al., 2016); In silico analysis supports that this missense variant has a deleterious effect on protein structure/function; Occurs in the triple helical domain at the Y position in the canonical Gly-X-Y repeat; although this variant may have an effect on normal protein folding and function, missense substitution at the Y position is not a common mechanism of disease; Has not been previously published as pathogenic or benign to our knowledge